The following is an entry in ClinVar:

ClinVar aggregate classification (germline): Uncertain significance. Review status: criteria provided, single submitter (1 of 4 stars). 2 submissions from 2 submitters: Uncertain significance (1). 1 of the submissions does not count toward it. Last evaluated 2024-01-31.

Conditions:
Platelet-type bleeding disorder 15 (BDPLT15). Also called: MACROTHROMBOCYTOPENIA, AUTOSOMAL DOMINANT, ACTN1-RELATED. Identifiers: Orphanet 140957, MedGen C3554663, MONDO:0014078, OMIM 615193.

Allele frequency attached by ClinVar (database versions not stated): ExAC 0.00002; gnomAD exomes 0.00002; TOPMed 0.00003; gnomAD 0.00004; ESP Exome Variant Server 0.00008; 1000 Genomes Project 30x 0.00016; 1000 Genomes Project 0.00020.
gnomAD v4.1: 32 of 1,614,096 alleles (0.002%); highest among the groups gnomAD compares: Admixed American, 0.005%; no homozygotes.

Submissions (2):

Labcorp Genetics (formerly Invitae), Labcorp
Classification: Uncertain significance. Last evaluated: 2024-01-31. Review status: criteria provided, single submitter. Criteria: Invitae Variant Classification Sherloc (09022015). Collection method: clinical testing. Allele origin: germline.
Comment: This sequence change replaces isoleucine, which is neutral and non-polar, with threonine, which is neutral and polar, at codon 658 of the ACTN1 protein (p.Ile658Thr). This variant is present in population databases (rs145122418, gnomAD 0.006%). This variant has not been reported in the literature in individuals affected with ACTN1-related conditions. ClinVar contains an entry for this variant (Variation ID: 2627055). Advanced modeling of protein sequence and biophysical properties (such as structural, functional, and spatial information, amino acid conservation, physicochemical variation, residue mobility, and thermodynamic stability) performed at Invitae indicates that this missense variant is not expected to disrupt ACTN1 protein function with a negative predictive value of 80%. In summary, the available evidence is currently insufficient to determine the role of this variant in disease. Therefore, it has been classified as a Variant of Uncertain Significance.

Zotz-Klimas Genetics Lab, MVZ Zotz Klimas
Classification: Uncertain significance for Platelet-type bleeding disorder 15. Last evaluated: 2023-10-30. Review status: no assertion criteria provided. Collection method: clinical testing. Allele origin: germline. Affected: yes. Not counted in ClinVar's aggregate classification.

NM_001130004.2(ACTN1):c.1973T>C (p.Ile658Thr)

Gene: ACTN1 (actinin alpha 1; minus strand). Cytogenetic location: 14q24.1.
Variant type: single nucleotide variant.
Coding change: c.1973T>C on transcript NM_001130004.2 (MANE Select); coding-DNA position 1973, T replaced by C.
Protein change: p.Ile658Thr; replaces isoleucine 658 with threonine.
Molecular consequence: missense variant.
Genome position (GRCh38, 1-based): chr14:68,880,970, A>G on the plus strand (T>C on the coding strand, the complement: ACTN1 is on the minus strand). VCF-style: chr14-68880970-A-G. GRCh37 (hg19) VCF-style: chr14-69347687-A-G.
Other names: c.1973T>C, p.Ile658Thr (NM_001102.4, NM_001130005.2, NM_001424012.1 and 2 more transcripts); c.1997T>C, p.Ile666Thr (NM_001411035.1, NM_001424016.1); c.1778T>C, p.Ile593Thr (NM_001411036.1, NM_001424028.1, NM_001424026.1); c.2099T>C, p.Ile700Thr (NM_001424013.1); c.2060T>C, p.Ile687Thr (NM_001424015.1); c.1790T>C, p.Ile597Thr (NM_001424027.1, NM_001424029.1, NM_001424019.1 and 2 more transcripts); c.1148T>C, p.Ile383Thr (NM_001424030.1); c.1970T>C, p.Ile657Thr (NM_001424017.1); and 3 more; short protein forms I383T, I593T, I597T, I635T, I637T, I645T, I657T, I658T.
Identifiers: ClinVar variation 2627055 (VCV002627055.3), dbSNP rs145122418, ClinGen allele CA7242204.